The following is an entry in ClinVar:

ClinVar aggregate classification (germline): Likely benign (1 of 4 stars; one submission).

gnomAD v4.1: 279 of 1,614,210 alleles (0.017%); highest among the groups gnomAD compares: Middle Eastern, 0.25%; 1 homozygote.

Submission:

CeGaT Center for Human Genetics Tuebingen
Classification: Likely benign. Last evaluated: 2024-07-01. Review status: criteria provided, single submitter. Criteria: CeGaT Center For Human Genetics Tuebingen Variant Classification Criteria Version 2. Collection method: clinical testing. Allele origin: germline. Affected: yes. Observed: 1 variant allele.
Comment: HDAC7: BP4, BP7

NM_015401.5(HDAC7):c.2142A>G (p.Thr714=)

Gene: HDAC7 (histone deacetylase 7; minus strand). Cytogenetic location: 12q13.11.
Variant type: single nucleotide variant.
Coding change: c.2142A>G on transcript NM_015401.5 (MANE Select); coding-DNA position 2142, A replaced by G.
Protein change: p.Thr714=; no amino-acid change (threonine 714 retained).
Molecular consequence: synonymous variant. On other transcripts: non-coding transcript variant (2).
Genome position (GRCh38, 1-based): chr12:47,789,528, T>C on the plus strand (A>G on the coding strand, the complement: HDAC7 is on the minus strand). VCF-style: chr12-47789528-T-C. GRCh37 (hg19) VCF-style: chr12-48183311-T-C.
Other names: c.2031A>G, p.Thr677= (NM_001098416.4); c.2091A>G, p.Thr697= (NM_001308090.2); c.2184A>G, p.Thr728= (NM_001368046.1).
Identifiers: ClinVar variation 3257598 (VCV003257598.17).
Genomic context (GRCh38, chr12:47,789,528, plus strand): 5'-GTTCCTGGGGGCTTGCCCCCCACCTCATCCCACCCAGGTCTTCCCTTAGCCTTACATGGC[T>C]GTTGAATGATCTGCATGGTGTCCTGGGGGCCGCACCACAGCGAAACCATTCTGGAAAAAG-3'
Protein context (NP_056216.2, residues 704-724): RPPGHHADHS[Thr714=]AMGFCFFNSV